The following is an entry in ClinVar:

NM_020821.3(VPS13C):c.7556A>G (p.Asn2519Ser)

Gene: VPS13C (vacuolar protein sorting 13 homolog C; minus strand). Cytogenetic location: 15q22.2.
Variant type: single nucleotide variant.
Coding change: c.7556A>G on transcript NM_020821.3 (MANE Select); coding-DNA position 7556, A replaced by G.
Protein change: p.Asn2519Ser; replaces asparagine 2519 with serine.
Molecular consequence: missense variant.
Genome position (GRCh38, 1-based): chr15:61,919,371, T>C on the plus strand (A>G on the coding strand, the complement: VPS13C is on the minus strand). VCF-style: chr15-61919371-T-C. GRCh37 (hg19) VCF-style: chr15-62211570-T-C.
Other names: c.7556A>G, p.Asn2519Ser (NM_001018088.3); c.7427A>G, p.Asn2476Ser (NM_017684.5, NM_018080.4); c.7556A>G (NM_020821.2); short protein forms N2519S, N2476S.
Identifiers: ClinVar variation 1458505 (VCV001458505.9), dbSNP rs765726489, ClinGen allele CA7595234.
Genomic context (GRCh38, chr15:61,919,371, plus strand): 5'-ATTACTTTATTCCCTTCAGTTGCATCAATTTGTACCAAGACAGAGTCAGAATGACTGGCA[T>C]TGGGATTCCGTACATTATACAATCGCCGTCCAGGTCTGGCCACAGGGATATTTGCAACTT-3'
Protein context (NP_065872.1, residues 2509-2529): GRRLYNVRNP[Asn2519Ser]ASHSDSVLVQ

ClinVar aggregate classification (germline): Likely benign. Review status: criteria provided, multiple submitters, no conflicts (2 of 4 stars). 2 submissions from 2 submitters: Likely benign (2). Last evaluated 2026-07-06.

Conditions:
VPS13C-related disorder. Also called: VPS13C-related condition.

Allele frequency attached by ClinVar (database versions not stated): ExAC 0.00029.

Submissions (2):

PreventionGenetics, part of Exact Sciences
Classification: Likely benign for VPS13C-related condition. Last evaluated: 2026-07-06. Review status: criteria provided, single submitter. Criteria: ACMG Guidelines, 2015. Collection method: clinical testing. Allele origin: germline.
Comment: This variant is classified as likely benign based on ACMG/AMP sequence variant interpretation guidelines (Richards et al. 2015 PMID: 25741868, with internal and published modifications).

Labcorp Genetics (formerly Invitae), Labcorp
Classification: Likely benign. Last evaluated: 2024-08-21. Review status: criteria provided, single submitter. Criteria: Invitae Variant Classification Sherloc (09022015). Collection method: clinical testing. Allele origin: germline.